The following is an entry in ClinVar:

NM_024649.5(BBS1):c.1595G>T (p.Arg532Leu)

Genes: BBS1 (Bardet-Biedl syndrome 1; plus strand), ZDHHC24 (zDHHC palmitoyltransferase 24; minus strand). Cytogenetic location: 11q13.2.
Variant type: single nucleotide variant.
Coding change: c.1595G>T on transcript NM_024649.5 (MANE Select); coding-DNA position 1595, G replaced by T.
Protein change: p.Arg532Leu; replaces arginine 532 with leucine.
Molecular consequence: missense variant. On other transcripts: intron variant (1).
Genome position (GRCh38, 1-based): chr11:66,531,015, G>T. VCF-style: chr11-66531015-G-T. GRCh37 (hg19) VCF-style: chr11-66298486-G-T.
Other names: c.560-1527C>A (NM_001348571.2); short protein forms R532L.
Identifiers: ClinVar variation 862497 (VCV000862497.10), dbSNP rs142648652, ClinGen allele CA224050103.
Genomic context (GRCh38, chr11:66,531,015, plus strand): 5'-GTCCTGTCCTGGGGCTGCTGGTCTGCTTCCTGTACAACGAGGCGCTCTATTCCCTGCCCC[G>T]GGCCTTCTTCAAGGTACTGGATGCTCCTCACTTAGATATGGAGTGGGAAAGGCCAGGGCA-3'
Protein context (NP_078925.3, residues 522-542): LYNEALYSLP[Arg532Leu]AFFKVPLLVP

ClinVar aggregate classification (germline): Uncertain significance. Review status: criteria provided, multiple submitters, no conflicts (2 of 4 stars). 5 submissions from 5 submitters: Uncertain significance (3). 2 of the submissions do not count toward it. Last evaluated 2024-03-11.

Conditions:
Bardet-Biedl syndrome 1 (BBS1). Identifiers: MedGen C2936862, MONDO:0008854, OMIM 209900. Disease mechanism: loss of function.
Bardet-Biedl syndrome (BBS). Identifiers: Orphanet 110, MedGen C0752166, MONDO:0015229.
BBS1-related disorder. Also called: BBS1-related condition.

Allele frequency attached by ClinVar (database versions not stated): TOPMed 0.00002.
gnomAD v4.1: 16 of 1,614,090 alleles (0.00099%); highest among the groups gnomAD compares: Admixed American, 0.02%; no homozygotes.

Submissions (5):

Fulgent Genetics
Classification: Uncertain significance for Bardet-Biedl syndrome 1. Last evaluated: 2024-03-11. Review status: criteria provided, single submitter. Criteria: ACMG Guidelines, 2015. Collection method: clinical testing. Allele origin: germline.

Blueprint Genetics
Classification: Uncertain significance. Last evaluated: 2022-07-30. Review status: criteria provided, single submitter. Criteria: ACMG Guidelines, 2015. Collection method: clinical testing. Allele origin: germline.

Labcorp Genetics (formerly Invitae), Labcorp
Classification: Uncertain significance for Bardet-Biedl syndrome. Last evaluated: 2022-07-19. Review status: criteria provided, single submitter. Criteria: Invitae Variant Classification Sherloc (09022015). Collection method: clinical testing. Allele origin: germline.
Comment: This sequence change replaces arginine, which is basic and polar, with leucine, which is neutral and non-polar, at codon 532 of the BBS1 protein (p.Arg532Leu). This variant is present in population databases (no rsID available, gnomAD 0.003%). This variant has not been reported in the literature in individuals affected with BBS1-related conditions. ClinVar contains an entry for this variant (Variation ID: 862497). Algorithms developed to predict the effect of missense changes on protein structure and function (SIFT, PolyPhen-2, Align-GVGD) all suggest that this variant is likely to be tolerated. In summary, the available evidence is currently insufficient to determine the role of this variant in disease. Therefore, it has been classified as a Variant of Uncertain Significance.

PreventionGenetics, part of Exact Sciences
Classification: Uncertain significance for BBS1-related condition. Last evaluated: 2024-03-22. Review status: no assertion criteria provided. Collection method: clinical testing. Allele origin: germline. Not counted in ClinVar's aggregate classification.
Comment: The BBS1 c.1595G>T variant is predicted to result in the amino acid substitution p.Arg532Leu. To our knowledge, this variant has not been reported in the literature. This variant is reported in 0.0029% of alleles in individuals of Latino descent in gnomAD. At this time, the clinical significance of this variant is uncertain due to the absence of conclusive functional and genetic evidence.

Natera, Inc.
Classification: Uncertain significance for Bardet-Biedl syndrome type 1. Last evaluated: 2020-04-14. Review status: no assertion criteria provided. Collection method: clinical testing. Allele origin: germline. Not counted in ClinVar's aggregate classification.